The following is an entry in ClinVar:

NM_002890.3(RASA1):c.661C>T (p.Leu221Phe)

Genes: CCNH (cyclin H; minus strand), RASA1 (RAS p21 protein activator 1; plus strand). Cytogenetic location: 5q14.3.
Variant type: single nucleotide variant.
Coding change: c.661C>T on transcript NM_002890.3 (MANE Select); coding-DNA position 661, C replaced by T.
Protein change: p.Leu221Phe; replaces leucine 221 with phenylalanine.
Molecular consequence: missense variant. On other transcripts: intron variant (1).
Genome position (GRCh38, 1-based): chr5:87,331,469, C>T. VCF-style: chr5-87331469-C-T. GRCh37 (hg19) VCF-style: chr5-86627286-C-T.
Other names: c.130C>T, p.Leu44Phe (NM_022650.3); c.934-18674G>A (NM_001364075.2); short protein forms L221F, L44F.
Identifiers: ClinVar variation 3942979 (VCV003942979.1).

ClinVar aggregate classification (germline): Uncertain significance (1 of 4 stars; one submission).

Conditions:
Cardiovascular phenotype. Identifiers: MedGen CN230736.

Submission:

Ambry Genetics
Classification: Uncertain significance for Cardiovascular phenotype. Last evaluated: 2025-04-13. Review status: criteria provided, single submitter. Criteria: Ambry Variant Classification Scheme 2023. Collection method: clinical testing. Allele origin: germline.
Comment: The p.L221F variant (also known as c.661C>T), located in coding exon 2 of the RASA1 gene, results from a C to T substitution at nucleotide position 661. The leucine at codon 221 is replaced by phenylalanine, an amino acid with highly similar properties. This amino acid position is conserved. In addition, the in silico prediction for this alteration is inconclusive. Based on the available evidence, the clinical significance of this variant remains unclear.